The following is an entry in ClinVar:

ClinVar aggregate classification (germline): Uncertain significance (1 of 4 stars; one submission).

Submission:

Labcorp Genetics (formerly Invitae), Labcorp
Classification: Uncertain significance. Last evaluated: 2022-06-21. Review status: criteria provided, single submitter. Criteria: Invitae Variant Classification Sherloc (09022015). Collection method: clinical testing. Allele origin: germline.
Comment: In summary, the available evidence is currently insufficient to determine the role of this variant in disease. Therefore, it has been classified as a Variant of Uncertain Significance. Algorithms developed to predict the effect of missense changes on protein structure and function are either unavailable or do not agree on the potential impact of this missense change (SIFT: "Deleterious"; PolyPhen-2: "Probably Damaging"; Align-GVGD: "Class C0"). This variant has not been reported in the literature in individuals affected with VPS13C-related conditions. This variant is not present in population databases (gnomAD no frequency). This sequence change replaces glycine, which is neutral and non-polar, with arginine, which is basic and polar, at codon 3275 of the VPS13C protein (p.Gly3275Arg).

NM_020821.3(VPS13C):c.9823G>C (p.Gly3275Arg)

Gene: VPS13C (vacuolar protein sorting 13 homolog C; minus strand). Cytogenetic location: 15q22.2.
Variant type: single nucleotide variant.
Coding change: c.9823G>C on transcript NM_020821.3 (MANE Select); coding-DNA position 9823, G replaced by C.
Protein change: p.Gly3275Arg; replaces glycine 3275 with arginine.
Molecular consequence: missense variant.
Genome position (GRCh38, 1-based): chr15:61,880,908, C>G on the plus strand (G>C on the coding strand, the complement: VPS13C is on the minus strand). VCF-style: chr15-61880908-C-G. GRCh37 (hg19) VCF-style: chr15-62173107-C-G.
Other names: c.9823G>C, p.Gly3275Arg (NM_001018088.3); c.9694G>C, p.Gly3232Arg (NM_017684.5, NM_018080.4); short protein forms G3275R, G3232R.
Identifiers: ClinVar variation 2008770 (VCV002008770.4), dbSNP rs1192695310, ClinGen allele CA392672710.